The following is an entry in ClinVar:

NM_004304.5(ALK):c.2554A>G (p.Lys852Glu)

Gene: ALK (ALK receptor tyrosine kinase; minus strand). Cytogenetic location: 2p23.2.
Variant type: single nucleotide variant.
Coding change: c.2554A>G on transcript NM_004304.5 (MANE Select); coding-DNA position 2554, A replaced by G.
Protein change: p.Lys852Glu; replaces lysine 852 with glutamic acid.
Molecular consequence: missense variant.
Genome position (GRCh38, 1-based): chr2:29,232,382, T>C on the plus strand (A>G on the coding strand, the complement: ALK is on the minus strand). VCF-style: chr2-29232382-T-C. GRCh37 (hg19) VCF-style: chr2-29455248-T-C.
Other names: short protein forms K852E.
Identifiers: ClinVar variation 404370 (VCV000404370.20), dbSNP rs371441614, ClinGen allele CA1594264.

ClinVar aggregate classification (germline): Uncertain significance. Review status: criteria provided, multiple submitters, no conflicts (2 of 4 stars). 5 submissions from 5 submitters: Uncertain significance (5). Last evaluated 2025-12-28.

Conditions:
Hereditary cancer-predisposing syndrome. Also called: Tumor predisposition; Neoplastic Syndromes, Hereditary; Hereditary Cancer Syndrome; Hereditary neoplastic syndrome. Identifiers: Orphanet 140162, MedGen C0027672, MeSH D009386, MONDO:0015356.
Neuroblastoma, susceptibility to, 3. Also called: ALK-Related Neuroblastic Tumor Susceptibility. Identifiers: Orphanet 635, MedGen C2751681, MONDO:0013083, OMIM 613014.

Allele frequency attached by ClinVar (database versions not stated): gnomAD exomes 0.00001 and 0.00002; ExAC 0.00002; ESP Exome Variant Server 0.00008; gnomAD 0.00014 and 0.00016; 1000 Genomes Project 30x 0.00016; 1000 Genomes Project 0.00020; TOPMed 0.00034.
gnomAD v4.1: 43 of 1,614,268 alleles (0.0027%); highest among the groups gnomAD compares: Admixed American, 0.045%; no homozygotes.

Submissions (5):

Labcorp Genetics (formerly Invitae), Labcorp
Classification: Uncertain significance for Neuroblastoma, susceptibility to, 3. Last evaluated: 2025-12-28. Review status: criteria provided, single submitter. Criteria: Invitae Variant Classification Sherloc (09022015). Collection method: clinical testing. Allele origin: germline.
Comment: This sequence change replaces lysine, which is basic and polar, with glutamic acid, which is acidic and polar, at codon 852 of the ALK protein (p.Lys852Glu). This variant is present in population databases (rs371441614, gnomAD 0.009%). This variant has not been reported in the literature in individuals affected with ALK-related conditions. ClinVar contains an entry for this variant (Variation ID: 404370). An algorithm developed to predict the effect of missense changes on protein structure and function (PolyPhen-2) suggests that this variant is likely to be disruptive. In summary, the available evidence is currently insufficient to determine the role of this variant in disease. Therefore, it has been classified as a Variant of Uncertain Significance.

GeneDx
Classification: Uncertain significance. Last evaluated: 2025-08-25. Review status: criteria provided, single submitter. Criteria: GeneDx Variant Classification Process June 2021. Collection method: clinical testing. Allele origin: germline. Affected: yes.
Comment: Not observed at significant frequency in large population cohorts (gnomAD); In silico analysis suggests that this missense variant does not alter protein structure/function; Observed in individuals with cancer (PMID: 28873162); This variant is associated with the following publications: (PMID: 28873162)

Ambry Genetics
Classification: Uncertain significance for Hereditary cancer-predisposing syndrome. Last evaluated: 2024-12-03. Review status: criteria provided, single submitter. Criteria: Ambry Variant Classification Scheme 2023. Collection method: clinical testing. Allele origin: germline.
Comment: The p.K852E variant (also known as c.2554A>G), located in coding exon 15 of the ALK gene, results from an A to G substitution at nucleotide position 2554. The lysine at codon 852 is replaced by glutamic acid, an amino acid with similar properties. This amino acid position is highly conserved in available vertebrate species. In addition, the in silico prediction for this alteration is inconclusive. Based on the available evidence, the clinical significance of this variant remains unclear.

Baylor Genetics
Classification: Uncertain significance for Neuroblastoma, susceptibility to, 3. Last evaluated: 2024-03-20. Review status: criteria provided, single submitter. Criteria: ACMG Guidelines, 2015. Collection method: clinical testing. Allele origin: unknown.

Sema4
Classification: Uncertain significance for Hereditary cancer-predisposing syndrome. Last evaluated: 2021-10-19. Review status: criteria provided, single submitter. Criteria: Sema4 Curation Guidelines. Collection method: curation. Allele origin: germline.
Comment: The ALK c.2554A>G (p.K852E) variant has been reported in heterozygosity in at least one individual with unspecified advanced cancer (PMID: 28873162). It was observed in 3/34592 chromosomes of the Latino subpopulation in the large and broad cohorts of the Genome Aggregation Database (PMID: 32461654). This variant has been reported in ClinVar (Variation ID 404370). Functional studies have not been performed, and in silico predictions of the variant's effect on protein function are inconclusive. The evidence is insufficient to meet ACMG/AMP criteria for classifying the variant as benign or pathogenic. Thus, the clinical significance of this variant is currently uncertain.

Literature cited by the submitters: PubMed 28873162 (cited by Sema4).